The following is an entry in ClinVar:

NM_000264.5(PTCH1):c.2738T>C (p.Ile913Thr)

Gene: PTCH1 (patched 1; minus strand). Cytogenetic location: 9q22.32.
Variant type: single nucleotide variant.
Coding change: c.2738T>C on transcript NM_000264.5 (MANE Select); coding-DNA position 2738, T replaced by C.
Protein change: p.Ile913Thr; replaces isoleucine 913 with threonine.
Molecular consequence: missense variant. On other transcripts: non-coding transcript variant (1).
Genome position (GRCh38, 1-based): chr9:95,459,749, A>G on the plus strand (T>C on the coding strand, the complement: PTCH1 is on the minus strand). VCF-style: chr9-95459749-A-G. GRCh37 (hg19) VCF-style: chr9-98222031-A-G.
Other names: c.2540T>C, p.Ile847Thr (NM_001083602.3); c.2735T>C, p.Ile912Thr (NM_001083603.3); c.2285T>C, p.Ile762Thr (NM_001083604.3, NM_001083605.3, NM_001083606.3 and 1 more transcripts); c.2582T>C, p.Ile861Thr (NM_001354918.2); short protein forms I847T, I762T, I861T, I912T, I913T.
Identifiers: ClinVar variation 1795373 (VCV001795373.3), dbSNP rs2538080633, ClinGen allele CA374113190.

ClinVar aggregate classification (germline): Uncertain significance (1 of 4 stars; one submission).

Conditions:
Hereditary cancer-predisposing syndrome. Also called: Hereditary Cancer Syndrome; Hereditary neoplastic syndrome; Neoplastic Syndromes, Hereditary; Tumor predisposition. Identifiers: Orphanet 140162, MedGen C0027672, MeSH D009386, MONDO:0015356.

Allele frequency attached by ClinVar (database versions not stated): gnomAD exomes below 0.00001.
gnomAD v4.1: 1 of 1,614,230 alleles (0.000062%); highest among the groups gnomAD compares: Non-Finnish European, 0.000085%; no homozygotes.

Submission:

Ambry Genetics
Classification: Uncertain significance for Hereditary cancer-predisposing syndrome. Last evaluated: 2026-07-28. Review status: criteria provided, single submitter. Criteria: Ambry Variant Classification Scheme 2023. Collection method: clinical testing. Allele origin: germline.
Comment: The p.I913T variant (also known as c.2738T>C), located in coding exon 17 of the PTCH1 gene, results from a T to C substitution at nucleotide position 2738. The isoleucine at codon 913 is replaced by threonine, an amino acid with similar properties. This amino acid position is conserved. In addition, this alteration is predicted to be deleterious by in silico analysis. Based on the available evidence, the clinical significance of this variant remains unclear.